The following is an entry in ClinVar:

ClinVar aggregate classification (germline): Pathogenic (1 of 4 stars; one submission).

Conditions:
Cerebral cavernous malformation 2. Also called: Familial Cerebral Cavernous Malformation 2. Identifiers: Orphanet 221061, MedGen C1864041, MONDO:0011304, OMIM 603284.

Allele frequency attached by ClinVar (database versions not stated): TOPMed 0.00001.

Submission:

Labcorp Genetics (formerly Invitae), Labcorp
Classification: Pathogenic for Cerebral cavernous malformation 2. Last evaluated: 2021-07-16. Review status: criteria provided, single submitter. Criteria: Invitae Variant Classification Sherloc (09022015). Collection method: clinical testing. Allele origin: germline.
Comment: This sequence change affects an acceptor splice site in intron 4 of the CCM2 gene. It is expected to disrupt RNA splicing. Variants that disrupt the donor or acceptor splice site typically lead to a loss of protein function (PMID: 16199547), and loss-of-function variants in CCM2 are known to be pathogenic (PMID: 18300272, 24689081). For these reasons, this variant has been classified as Pathogenic. Algorithms developed to predict the effect of sequence changes on RNA splicing suggest that this variant may disrupt the consensus splice site. Disruption of this splice site has been observed in individual(s) with cerebral cavernous malformations (Invitae). This variant is not present in population databases (ExAC no frequency).

Literature cited by the submitters: PubMed 16199547; PubMed 18300272; PubMed 24689081.

NM_031443.4(CCM2):c.473-2A>G

Gene: CCM2 (CCM2 scaffold protein; plus strand). Cytogenetic location: 7p13.
Variant type: single nucleotide variant.
Coding change: c.473-2A>G on transcript NM_031443.4 (MANE Select); the canonical splice acceptor site of the intron before coding-DNA position 473, A replaced by G.
Molecular consequence: splice acceptor variant. On other transcripts: intron variant (1).
Genome position (GRCh38, 1-based): chr7:45,068,441, A>G. VCF-style: chr7-45068441-A-G. GRCh37 (hg19) VCF-style: chr7-45108040-A-G.
Other names: c.473-2A>G (NM_001363458.2); c.472+3795A>G (NM_001167935.2); c.299-2A>G (NM_001363459.2, NM_001167934.2); c.536-2A>G (NM_001029835.2).
Identifiers: ClinVar variation 1400162 (VCV001400162.6), dbSNP rs1798890807, ClinGen allele CA367430191.
Genomic context (GRCh38, chr7:45,068,441, plus strand): 5'-CCTCAAGTGCCCCCATGCCTGCCCTTCCACTGTGCTAAACTGAGATGGTGTTGACTTCTC[A>G]GCCCAGGACCCAGGGATCTCCCCCAGCCAGAGTCTGTGTGCGGAAAGTTCCAGAGGCCTC-3'